The following is an entry in ClinVar:

ClinVar aggregate classification (germline): Uncertain significance (1 of 4 stars; one submission).

Conditions:
Inborn genetic diseases. Identifiers: MedGen C0950123, MeSH D030342.

Allele frequency attached by ClinVar (database versions not stated): gnomAD exomes 0.00001.
gnomAD v4.1: 10 of 1,608,744 alleles (0.00062%); highest among the groups gnomAD compares: Non-Finnish European, 0.00085%; no homozygotes.

Submission:

Ambry Genetics
Classification: Uncertain significance for Inborn genetic diseases. Last evaluated: 2025-05-17. Review status: criteria provided, single submitter. Criteria: Ambry Variant Classification Scheme 2023. Collection method: clinical testing. Allele origin: germline.
Comment: The p.V327I variant (also known as c.979G>A) is located in coding exon 7 of the MECOM gene. The valine at codon 327 is replaced by isoleucine, an amino acid with highly similar properties. This change occurs in the first base pair of coding exon 7. This amino acid position is conserved. In addition, this alteration is predicted to be tolerated by in silico analysis. Based on the available evidence, the clinical significance of this variant remains unclear.

NM_004991.4(MECOM):c.979G>A (p.Val327Ile)

Gene: MECOM (MDS1 and EVI1 complex locus; minus strand). Cytogenetic location: 3q26.2.
Variant type: single nucleotide variant.
Coding change: c.979G>A on transcript NM_004991.4 (MANE Select); coding-DNA position 979, G replaced by A.
Protein change: p.Val327Ile; replaces valine 327 with isoleucine.
Molecular consequence: missense variant.
Genome position (GRCh38, 1-based): chr3:169,121,209, C>T on the plus strand (G>A on the coding strand, the complement: MECOM is on the minus strand). VCF-style: chr3-169121209-C-T. GRCh37 (hg19) VCF-style: chr3-168838997-C-T.
Other names: c.610G>A, p.Val204Ile (NM_001105077.4); c.415G>A, p.Val139Ile (NM_001105078.4, NM_001164000.2, NM_001205194.2 and 5 more transcripts); c.418G>A, p.Val140Ile (NM_001163999.2, NM_001366467.2, NM_001366468.2 and 1 more transcripts); c.979G>A, p.Val327Ile (NM_001366466.2, NM_001366473.2); short protein forms V139I, V140I, V204I, V327I.
Identifiers: ClinVar variation 2477899 (VCV002477899.3), dbSNP rs1168395675, ClinGen allele CA355066338.
Genomic context (GRCh38, chr3:169,121,209, plus strand): 5'-CCCGGGCACCGACATGCTGAGAGCGAATGTGCCGCTGAAGGTTGCTAGGGTCCGTGAAAA[C>T]CTGCTAGGAAATGAGTACTGATTAATCAAGAAACTTAACTCAAGGGCACAATAAAGAAGA-3'
Protein context (NP_004982.2, residues 317-337): KHYECENCAK[Val327Ile]FTDPSNLQRH